The following is an entry in ClinVar:

NM_000350.3(ABCA4):c.6221G>A (p.Gly2074Asp)

Gene: ABCA4 (ATP binding cassette subfamily A member 4; minus strand). Cytogenetic location: 1p22.1.
Variant type: single nucleotide variant.
Coding change: c.6221G>A on transcript NM_000350.3 (MANE Select); coding-DNA position 6221, G replaced by A.
Protein change: p.Gly2074Asp; replaces glycine 2074 with aspartic acid.
Molecular consequence: missense variant.
Genome position (GRCh38, 1-based): chr1:94,001,919, C>T on the plus strand (G>A on the coding strand, the complement: ABCA4 is on the minus strand). VCF-style: chr1-94001919-C-T. GRCh37 (hg19) VCF-style: chr1-94467475-C-T.
Other names: c.5999G>A, p.Gly2000Asp (NM_001425324.1); short protein forms G2074D, G2000D.
Identifiers: ClinVar variation 1071049 (VCV001071049.10), dbSNP rs367839100, ClinGen allele CA956986.

ClinVar aggregate classification (germline): Pathogenic/Likely pathogenic. Review status: criteria provided, multiple submitters, no conflicts (2 of 4 stars). 2 submissions from 2 submitters: Pathogenic (1); Likely pathogenic (1). Last evaluated 2025-12-14.

Conditions:
ABCA4-related disorder. Also called: ABCA4-related disorders; ABCA4-related condition. Identifiers: MedGen CN239167.

Allele frequency attached by ClinVar (database versions not stated): ESP Exome Variant Server 0.00008.
gnomAD v4.1: 13 of 1,614,104 alleles (0.00081%); highest among the groups gnomAD compares: African/African-American, 0.0013%; no homozygotes.

Submissions (2):

Labcorp Genetics (formerly Invitae), Labcorp
Classification: Pathogenic. Last evaluated: 2025-12-14. Review status: criteria provided, single submitter. Criteria: Invitae Variant Classification Sherloc (09022015). Collection method: clinical testing. Allele origin: germline.
Comment: This sequence change replaces glycine, which is neutral and non-polar, with aspartic acid, which is acidic and polar, at codon 2074 of the ABCA4 protein (p.Gly2074Asp). This variant is present in population databases (rs367839100, gnomAD 0.007%). This missense change has been observed in individuals with clinical features of inherited retinal dystrophy (PMID: 25412400; internal data). ClinVar contains an entry for this variant (Variation ID: 1071049). Invitae Evidence Modeling of protein sequence and biophysical properties (such as structural, functional, and spatial information, amino acid conservation, physicochemical variation, residue mobility, and thermodynamic stability) indicates that this missense variant is expected to disrupt ABCA4 protein function with a positive predictive value of 95%. This variant disrupts the p.Gly2074 amino acid residue in ABCA4. Other variant(s) that disrupt this residue have been determined to be pathogenic (PMID: 23419329, 25082885, 29925512). This suggests that this residue is clinically significant, and that variants that disrupt this residue are likely to be disease-causing. For these reasons, this variant has been classified as Pathogenic.

Blueprint Genetics
Classification: Likely pathogenic for ABCA4-related disorders. Last evaluated: 2021-02-12. Review status: criteria provided, single submitter. Criteria: ACMG Guidelines, 2015. Collection method: clinical testing. Allele origin: germline. Affected: yes. Observed: 5 variant alleles.

Literature cited by the submitters: PubMed 25412400 (cited by Labcorp Genetics (formerly Invitae), Labcorp); PubMed 23419329 (cited by Labcorp Genetics (formerly Invitae), Labcorp); PubMed 25082885 (cited by Labcorp Genetics (formerly Invitae), Labcorp); PubMed 29925512 (cited by Labcorp Genetics (formerly Invitae), Labcorp).